The following is an entry in ClinVar:

ClinVar aggregate classification (germline): Pathogenic (1 of 4 stars; one submission).

Submission:

Labcorp Genetics (formerly Invitae), Labcorp
Classification: Pathogenic. Last evaluated: 2024-05-20. Review status: criteria provided, single submitter. Criteria: Invitae Variant Classification Sherloc (09022015). Collection method: clinical testing. Allele origin: germline.
Comment: This sequence change creates a premature translational stop signal (p.Glu395Glyfs*6) in the MSN gene. It is expected to result in an absent or disrupted protein product. Loss-of-function variants in MSN are known to be pathogenic (PMID: 27405666). This variant is not present in population databases (gnomAD no frequency). This variant has not been reported in the literature in individuals affected with MSN-related conditions. ClinVar contains an entry for this variant (Variation ID: 2019813). For these reasons, this variant has been classified as Pathogenic.

Literature cited by the submitters: PubMed 27405666.

NM_002444.3(MSN):c.1174_1183dup (p.Glu395fs)

Gene: MSN (moesin; plus strand). Cytogenetic location: Xq12.
Variant type: Duplication.
Coding change: c.1174_1183dup on transcript NM_002444.3 (MANE Select); coding-DNA positions 1174 to 1183, 10 bases duplicated (GAGCGTCAAG; older notation c.1174_1183dupGAGCGTCAAG).
Protein change: p.Glu395fs; shifts the reading frame from glutamic acid 395.
Molecular consequence: frameshift variant.
Genome position (GRCh38, 1-based): chrX:65,737,261-65,737,270, GAGCGTCAAG duplicated; duplicating any 10 consecutive bases within chrX:65,737,257-65,737,270 gives the same sequence; the c. name uses the placement nearest the transcript's 3' end. VCF-style (leftmost placement, unchanged base first): chrX-65737256-C-CCAAGGAGCGT. GRCh37 (hg19) VCF-style: chrX-64957118-C-CCAAGGAGCGT.
Other names: short protein forms E395fs.
Identifiers: ClinVar variation 2019813 (VCV002019813.4), dbSNP rs2523018241, ClinGen allele CA2580101273.